The following is an entry in ClinVar:

ClinVar aggregate classification (germline): Pathogenic/Likely pathogenic. Review status: criteria provided, multiple submitters, no conflicts (2 of 4 stars). 2 submissions from 2 submitters: Pathogenic (1); Likely pathogenic (1). Last evaluated 2024-09-17.

Conditions:
Usher syndrome type 2A. Also called: USHER SYNDROME, TYPE IIA; RETINAL DISEASE IN USHER SYNDROME TYPE IIA, MODIFIER OF. Identifiers: Orphanet 231178, Orphanet 886, MedGen C1848634, MONDO:0010169, OMIM 276901.

Allele frequency attached by ClinVar (database versions not stated): TOPMed below 0.00001; gnomAD 0.00001.
gnomAD v4.1: 1 of 1,614,026 alleles (0.000062%); highest among the groups gnomAD compares: Non-Finnish European, 0.000085%; no homozygotes.

Submissions (2):

Natera, Inc.
Classification: Likely pathogenic for Usher syndrome type 2A. Last evaluated: 2024-09-17. Review status: criteria provided, single submitter. Criteria: Natera Variant Classification Schema (03/2026). Collection method: clinical testing. Allele origin: germline.
Comment: The c.14996C>T variant in USH2A is a missense variant predicted to cause substitution of threonine to isoleucine at amino acid 4999. This variant is rare in the general population with a frequency below the threshold expected for the associated phenotype(s). This variant has been observed in one or more individuals affected with the associated recessive disease, as either homozygous or compound heterozygous with a second variant (PMID: 24944099, 27460420). Computational prediction algorithms indicate this variant is likely to affect gene or protein function. Given the available evidence, this variant is classified as Likely Pathogenic.

Labcorp Genetics (formerly Invitae), Labcorp
Classification: Pathogenic. Last evaluated: 2023-03-16. Review status: criteria provided, single submitter. Criteria: Invitae Variant Classification Sherloc (09022015). Collection method: clinical testing. Allele origin: germline.
Comment: For these reasons, this variant has been classified as Pathogenic. This variant disrupts the p.Thr4999 amino acid residue in USH2A. Other variant(s) that disrupt this residue have been observed in individuals with USH2A-related conditions (PMID: 28127548), which suggests that this may be a clinically significant amino acid residue. Advanced modeling of protein sequence and biophysical properties (such as structural, functional, and spatial information, amino acid conservation, physicochemical variation, residue mobility, and thermodynamic stability) has been performed at Invitae for this missense variant, however the output from this modeling did not meet the statistical confidence thresholds required to predict the impact of this variant on USH2A protein function. ClinVar contains an entry for this variant (Variation ID: 1040712). This missense change has been observed in individual(s) with Usher syndrome (PMID: 24944099; Invitae). In at least one individual the data is consistent with being in trans (on the opposite chromosome) from a pathogenic variant. This variant is not present in population databases (gnomAD no frequency). This sequence change replaces threonine, which is neutral and polar, with isoleucine, which is neutral and non-polar, at codon 4999 of the USH2A protein (p.Thr4999Ile).

Literature cited by the submitters: PubMed 24944099 (cited by Natera, Inc. and Labcorp Genetics (formerly Invitae), Labcorp); PubMed 27460420 (cited by Natera, Inc.); PubMed 28127548 (cited by Labcorp Genetics (formerly Invitae), Labcorp).

NM_206933.4(USH2A):c.14996C>T (p.Thr4999Ile)

Gene: USH2A (usherin; minus strand). Cytogenetic location: 1q41.
Variant type: single nucleotide variant.
Coding change: c.14996C>T on transcript NM_206933.4 (MANE Select); coding-DNA position 14996, C replaced by T.
Protein change: p.Thr4999Ile; replaces threonine 4999 with isoleucine.
Molecular consequence: missense variant.
Genome position (GRCh38, 1-based): chr1:215,639,211, G>A on the plus strand (C>T on the coding strand, the complement: USH2A is on the minus strand). VCF-style: chr1-215639211-G-A. GRCh37 (hg19) VCF-style: chr1-215812553-G-A.
Other names: c.14996C>T (NM_206933.2); short protein forms T4999I.
Identifiers: ClinVar variation 1040712 (VCV001040712.7), dbSNP rs1407860955, ClinGen allele CA344826600.